The following is an entry in ClinVar:

ClinVar aggregate classification (germline): Uncertain significance (1 of 4 stars; one submission).

Submission:

GeneDx
Classification: Uncertain significance. Last evaluated: 2024-11-21. Review status: criteria provided, single submitter. Criteria: GeneDx Variant Classification Process June 2021. Collection method: clinical testing. Allele origin: germline. Affected: yes.
Comment: Not observed at significant frequency in large population cohorts (gnomAD); In silico analysis indicates that this missense variant does not alter protein structure/function; Has not been previously published as pathogenic or benign to our knowledge

NM_003601.4(SMARCA5):c.1266A>T (p.Glu422Asp)

Gene: SMARCA5 (SNF2 related chromatin remodeling ATPase 5; plus strand). Cytogenetic location: 4q31.21.
Variant type: single nucleotide variant.
Coding change: c.1266A>T on transcript NM_003601.4 (MANE Select); coding-DNA position 1266, A replaced by T.
Protein change: p.Glu422Asp; replaces glutamic acid 422 with aspartic acid.
Molecular consequence: missense variant.
Genome position (GRCh38, 1-based): chr4:143,534,962, A>T. VCF-style: chr4-143534962-A-T. GRCh37 (hg19) VCF-style: chr4-144456115-A-T.
Other names: short protein forms E422D.
Identifiers: ClinVar variation 3900415 (VCV003900415.1).